The following is an entry in ClinVar:

ClinVar aggregate classification (germline): Uncertain significance (1 of 4 stars; one submission).

Submission:

Dasa
Classification: Uncertain significance. Last evaluated: 2026-06-12. Review status: criteria provided, single submitter. Criteria: DASA Assertion Criteria. Collection method: clinical testing. Allele origin: germline.
Comment: NM_001375524.1(TRRAP):c.5868C>G (p.Ile1956Met) is a missense variant that results in the substitution of isoleucine with methionine. This variant is rare in population databases. The currently available literature and clinical evidence are not sufficient to establish a definitive association between this variant and the reported condition. Therefore, this variant is classified as a variant of uncertain significance.

NM_001375524.1(TRRAP):c.5868C>G (p.Ile1956Met)

Gene: TRRAP (transformation/transcription domain associated protein; plus strand). Cytogenetic location: 7q22.1.
Variant type: single nucleotide variant.
Coding change: c.5868C>G on transcript NM_001375524.1 (MANE Select); coding-DNA position 5868, C replaced by G.
Protein change: p.Ile1956Met; replaces isoleucine 1956 with methionine.
Molecular consequence: missense variant.
Genome position (GRCh38, 1-based): chr7:98,955,235, C>G. VCF-style: chr7-98955235-C-G. GRCh37 (hg19) VCF-style: chr7-98552858-C-G.
Other names: c.5793C>G, p.Ile1931Met (NM_003496.4); c.5847C>G, p.Ile1949Met (NM_001244580.2); short protein forms I1931M, I1949M, I1956M.
Identifiers: ClinVar variation 5020390 (VCV005020390.1).
Genomic context (GRCh38, chr7:98,955,235, plus strand): 5'-GGCGGTGCCGGCCAGGATGGAGGACGGGCACCAGATGCTGACCCACTGGACCCGGAAGAT[C>G]ATTGTGGAGGAGGGGCACACCGTCCCGCAGCTGGTCCACATTCTGCACCTGATAGTGCAA-3'
Protein context (NP_001362453.1, residues 1946-1966): HQMLTHWTRK[Ile1956Met]IVEEGHTVPQ